The following is an entry in ClinVar:

ClinVar aggregate classification (germline): Likely benign (1 of 4 stars; one submission).

Allele frequency attached by ClinVar (database versions not stated): TOPMed 0.00008; gnomAD 0.00003; ExAC 0.00002.
gnomAD v4.1: 167 of 1,611,210 alleles (0.01%); highest among the groups gnomAD compares: Non-Finnish European, 0.013%; no homozygotes.

Submission:

Mayo Clinic Laboratories, Mayo Clinic
Classification: Likely benign. Last evaluated: 2025-03-10. Review status: criteria provided, single submitter. Criteria: ACMG Guidelines, 2015. Collection method: clinical testing. Allele origin: germline. Observed: 2 variant alleles.
Comment: BS2, BP4

NM_001377137.1(GBF1):c.3677G>A (p.Arg1226His)

Gene: GBF1 (golgi brefeldin A resistant guanine nucleotide exchange factor 1; plus strand). Cytogenetic location: 10q24.32.
Variant type: single nucleotide variant.
Coding change: c.3677G>A on transcript NM_001377137.1 (MANE Select); coding-DNA position 3677, G replaced by A.
Protein change: p.Arg1226His; replaces arginine 1226 with histidine.
Molecular consequence: missense variant. On other transcripts: non-coding transcript variant (5).
Genome position (GRCh38, 1-based): chr10:102,375,375, G>A. VCF-style: chr10-102375375-G-A. GRCh37 (hg19) VCF-style: chr10-104135132-G-A.
Other names: p.Arg1225His; c.3674G>A, p.Arg1225His (NM_001199379.2, NM_001377141.1, NM_001391924.1 and 3 more transcripts); c.3638G>A, p.Arg1213His (NM_001377138.1, NM_001391925.1); c.3380G>A, p.Arg1127His (NM_001377139.1, NM_001377140.1); c.3773G>A, p.Arg1258His (NM_001391922.1, NM_001411027.1); c.3677G>A, p.Arg1226His (NM_001391923.1, NM_001199378.2); c.3641G>A, p.Arg1214His (NM_001391926.1); c.3533G>A, p.Arg1178His (NM_001391928.1); and 3 more; short protein forms R1099H, R1127H, R1146H, R1178H, R1213H, R1214H, R1225H, R1226H.
Identifiers: ClinVar variation 2683124 (VCV002683124.2), dbSNP rs750471826, ClinGen allele CA5663867.